The following is an entry in ClinVar:

ClinVar aggregate classification (germline): Pathogenic. Review status: criteria provided, multiple submitters, no conflicts (2 of 4 stars). 5 submissions from 5 submitters: Pathogenic (5). Last evaluated 2025-10-13.

Conditions:
Hereditary cancer-predisposing syndrome. Also called: Hereditary Cancer Syndrome; Hereditary neoplastic syndrome; Neoplastic Syndromes, Hereditary; Tumor predisposition. Identifiers: Orphanet 140162, MedGen C0027672, MeSH D009386, MONDO:0015356.
Pheochromocytoma/paraganglioma syndrome 5. Also called: Paragangliomas 5; SDHA-Related Hereditary Paraganglioma-Pheochromocytoma Syndrome. Identifiers: Orphanet 29072, MedGen C3279992, MONDO:0013602, OMIM 614165.
Mitochondrial complex II deficiency, nuclear type 1. Also called: SUCCINATE CoQ REDUCTASE DEFICIENCY. Identifiers: Orphanet 3208, MedGen C5700310, MONDO:0100294, OMIM 252011.

Submissions (5):

GeneDx
Classification: Pathogenic. Last evaluated: 2025-10-13. Review status: criteria provided, single submitter. Criteria: GeneDx Variant Classification Process June 2021. Collection method: clinical testing. Allele origin: germline. Affected: yes.
Comment: Not observed at significant frequency in large population cohorts (gnomAD); Nonsense variant predicted to result in protein truncation or nonsense mediated decay in a gene for which loss of function is a known mechanism of disease; Has not been previously published as pathogenic or benign to our knowledge

Labcorp Genetics (formerly Invitae), Labcorp
Classification: Pathogenic for Pheochromocytoma/paraganglioma syndrome 5; Mitochondrial complex II deficiency, nuclear type 1. Last evaluated: 2023-11-15. Review status: criteria provided, single submitter. Criteria: Invitae Variant Classification Sherloc (09022015). Collection method: clinical testing. Allele origin: germline.
Comment: This sequence change creates a premature translational stop signal (p.Tyr330*) in the SDHA gene. It is expected to result in an absent or disrupted protein product. Loss-of-function variants in SDHA are known to be pathogenic (PMID: 22974104, 24781757). This variant is not present in population databases (gnomAD no frequency). This variant has not been reported in the literature in individuals affected with SDHA-related conditions. ClinVar contains an entry for this variant (Variation ID: 280711). For these reasons, this variant has been classified as Pathogenic.

St. Jude Molecular Pathology, St. Jude Children's Research Hospital
Classification: Pathogenic for Pheochromocytoma/paraganglioma syndrome 5. Last evaluated: 2023-08-01. Review status: criteria provided, single submitter. Criteria: St. Jude Assertion Criteria 2020. Collection method: clinical testing. Allele origin: germline. Affected: yes.
Comment: The SDHA c.990del (p.Tyr330Ter) variant deletes one nucleotide to cause a frameshift of the protein coding sequence and the creation of a premature stop codon. This change is predicted to cause protein truncation or absence of protein due to nonsense-mediated decay. This variant is also absent in gnomAD v2.1.1. In summary, this variant meets criteria to be classified as pathogenic.

Myriad Genetics, Inc.
Classification: Pathogenic for Pheochromocytoma/paraganglioma syndrome 5. Last evaluated: 2023-07-07. Review status: criteria provided, single submitter. Criteria: Myriad Autosomal Dominant, Autosomal Recessive and X-Linked Classification Criteria (2023). Collection method: clinical testing. Allele origin: unknown.
Comment: This variant is considered pathogenic. This variant creates a termination codon and is predicted to result in premature protein truncation.

Ambry Genetics
Classification: Pathogenic for Hereditary cancer-predisposing syndrome. Last evaluated: 2023-03-28. Review status: criteria provided, single submitter. Criteria: Ambry Variant Classification Scheme 2023. Collection method: clinical testing. Allele origin: germline.
Comment: The c.990delC pathogenic mutation, located in coding exon 8 of the SDHA gene, results from a deletion of one nucleotide at nucleotide position 990, causing a translational frameshift with a predicted alternate stop codon (p.Y330*). This variant is considered to be rare based on population cohorts in the Genome Aggregation Database (gnomAD). This alteration is expected to result in loss of function by premature protein truncation or nonsense-mediated mRNA decay. As such, this alteration is interpreted as a disease-causing mutation.

Literature cited by the submitters: PubMed 22974104 (cited by Labcorp Genetics (formerly Invitae), Labcorp); PubMed 24781757 (cited by Labcorp Genetics (formerly Invitae), Labcorp).

NM_004168.4(SDHA):c.990del (p.Arg329_Tyr330insTer)

Gene: SDHA (succinate dehydrogenase complex flavoprotein subunit A; plus strand). Cytogenetic location: 5p15.33.
Variant type: Deletion.
Coding change: c.990del on transcript NM_004168.4 (MANE Select); coding-DNA position 990, one base deleted (C; older notation c.990delC).
Protein change: p.Arg329_Tyr330insTer.
Molecular consequence: nonsense.
Genome position (GRCh38, 1-based): chr5:233,571, C deleted. VCF-style (leftmost placement, unchanged base first): chr5-233570-AC-A. GRCh37 (hg19) VCF-style: chr5-233685-AC-A.
Other names: c.990del (NM_004168.2); c.846del, p.Arg281_Tyr282insTer (NM_001294332.2); c.990del, p.Arg329_Tyr330insTer (NM_001330758.2).
Identifiers: ClinVar variation 280711 (VCV000280711.10), dbSNP rs886041867, ClinGen allele CA10602959.